The following is an entry in ClinVar:

NM_001199107.2(TBC1D24):c.299A>G (p.Gln100Arg)

Gene: TBC1D24 (TBC1 domain family member 24; plus strand). Cytogenetic location: 16p13.3.
Variant type: single nucleotide variant.
Coding change: c.299A>G on transcript NM_001199107.2 (MANE Select); coding-DNA position 299, A replaced by G.
Protein change: p.Gln100Arg; replaces glutamine 100 with arginine.
Molecular consequence: missense variant.
Genome position (GRCh38, 1-based): chr16:2,496,447, A>G. VCF-style: chr16-2496447-A-G. GRCh37 (hg19) VCF-style: chr16-2546448-A-G.
Other names: c.299A>G (NM_001199107.1); c.299A>G, p.Gln100Arg (NM_020705.3); short protein forms Q100R.
Identifiers: ClinVar variation 2933726 (VCV002933726.4), dbSNP rs1433544007, ClinGen allele CA394375407.

ClinVar aggregate classification (germline): Uncertain significance. Review status: criteria provided, multiple submitters, no conflicts (2 of 4 stars). 2 submissions from 2 submitters: Uncertain significance (2). Last evaluated 2025-05-05.

Conditions:
Inborn genetic diseases. Identifiers: MedGen C0950123, MeSH D030342.
Autosomal dominant nonsyndromic hearing loss 65. Also called: Deafness, autosomal dominant 65; TBC1D24-Related Autosomal Dominant Nonsyndromic Hearing Loss (DFNA). Identifiers: Orphanet 90635, MedGen C3892048, MONDO:0014470, OMIM 616044.
Developmental and epileptic encephalopathy, 1 (DEE1). Also called: INFANTILE SPASM SYNDROME, X-LINKED 1; X-linked infantile spasms; West's syndrome; Tonic spasms with clustering, arrest of psychomotor development and hypsarrhythmia on EEG; X-Linked Infantile Spasm Syndrome; OHTAHARA SYNDROME, X-LINKED. Identifiers: MedGen C3463992, MONDO:0010632, OMIM 308350. Disease mechanism: loss of function.

Allele frequency attached by ClinVar (database versions not stated): gnomAD 0.00001.
gnomAD v4.1: 4 of 1,612,476 alleles (0.00025%); highest among the groups gnomAD compares: African/African-American, 0.0027%; no homozygotes.

Submissions (2):

Ambry Genetics
Classification: Uncertain significance for Inborn genetic diseases. Last evaluated: 2025-05-05. Review status: criteria provided, single submitter. Criteria: Ambry Variant Classification Scheme 2023. Collection method: clinical testing. Allele origin: germline.

Labcorp Genetics (formerly Invitae), Labcorp
Classification: Uncertain significance for Developmental and epileptic encephalopathy, 1; Autosomal dominant nonsyndromic hearing loss 65. Last evaluated: 2025-03-13. Review status: criteria provided, single submitter. Criteria: Invitae Variant Classification Sherloc (09022015). Collection method: clinical testing. Allele origin: germline.
Comment: This sequence change replaces glutamine, which is neutral and polar, with arginine, which is basic and polar, at codon 100 of the TBC1D24 protein (p.Gln100Arg). This variant is not present in population databases (gnomAD no frequency). This variant has not been reported in the literature in individuals affected with TBC1D24-related conditions. ClinVar contains an entry for this variant (Variation ID: 2933726). Invitae Evidence Modeling of protein sequence and biophysical properties (such as structural, functional, and spatial information, amino acid conservation, physicochemical variation, residue mobility, and thermodynamic stability) indicates that this missense variant is not expected to disrupt TBC1D24 protein function with a negative predictive value of 95%. In summary, the available evidence is currently insufficient to determine the role of this variant in disease. Therefore, it has been classified as a Variant of Uncertain Significance.